The following is an entry in ClinVar:

NM_001111.5(ADAR):c.2473T>C (p.Ser825Pro)

Gene: ADAR (adenosine deaminase RNA specific; minus strand). Cytogenetic location: 1q21.3.
Variant type: single nucleotide variant.
Coding change: c.2473T>C on transcript NM_001111.5 (MANE Select); coding-DNA position 2473, T replaced by C.
Protein change: p.Ser825Pro; replaces serine 825 with proline.
Molecular consequence: missense variant. On other transcripts: intron variant (3).
Genome position (GRCh38, 1-based): chr1:154,590,207, A>G on the plus strand (T>C on the coding strand, the complement: ADAR is on the minus strand). VCF-style: chr1-154590207-A-G. GRCh37 (hg19) VCF-style: chr1-154562683-A-G.
Other names: c.1588T>C, p.Ser530Pro (NM_001365047.1, NM_001365048.1, NM_001025107.3 and 2 more transcripts); c.1533+55T>C (NM_001365049.1); c.2361+55T>C (NM_015841.4); c.2418+55T>C (NM_015840.4); c.2500T>C, p.Ser834Pro (NM_001365045.1); short protein forms S825P, S530P, S834P.
Identifiers: ClinVar variation 4786540 (VCV004786540.1).
Genomic context (GRCh38, chr1:154,590,207, plus strand): 5'-CCGCCCCAAAAAAGGCACCAAAAGTAGACGTCTTAACTGTCTTTGGCTGTGCTTCTGGGG[A>G]CCTTGAGAGGAGGAGCATAGTTCTTCTGAGACTGGCCCCTGTCACTGGGGTTACCTCTGT-3'
Protein context (NP_001102.3, residues 815-835): LRRTMLLLSR[Ser825Pro]PEAQPKTLPL

ClinVar aggregate classification (germline): Uncertain significance (1 of 4 stars; one submission).

Conditions:
Symmetrical dyschromatosis of extremities (DSH). Also called: DYSCHROMATOSIS SYMMETRICA HEREDITARIA 1; RETICULATE ACROPIGMENTATION OF DOHI; SYMMETRIC DYSCHROMATOSIS OF THE EXTREMITIES; Dyschromatosis symmetrica hereditaria. Identifiers: Orphanet 41, MedGen C0406775, MONDO:0007483, OMIM 127400.
Aicardi-Goutieres syndrome 6 (AGS6). Identifiers: Orphanet 51, MedGen C3539013, MONDO:0014007, OMIM 615010.

Submission:

Labcorp Genetics (formerly Invitae), Labcorp
Classification: Uncertain significance for Aicardi-Goutieres syndrome 6; Symmetrical dyschromatosis of extremities. Last evaluated: 2025-11-02. Review status: criteria provided, single submitter. Criteria: Invitae Variant Classification Sherloc (09022015). Collection method: clinical testing. Allele origin: germline.
Comment: This sequence change replaces serine, which is neutral and polar, with proline, which is neutral and non-polar, at codon 825 of the ADAR protein (p.Ser825Pro). This variant is not present in population databases (gnomAD no frequency). This variant has not been reported in the literature in individuals affected with ADAR-related conditions. An algorithm developed to predict the effect of missense changes on protein structure and function (PolyPhen-2) suggests that this variant is likely to be tolerated. In summary, the available evidence is currently insufficient to determine the role of this variant in disease. Therefore, it has been classified as a Variant of Uncertain Significance.